The following is an entry in ClinVar:

ClinVar aggregate classification (germline): Benign (1 of 4 stars; one submission).

Conditions:
Epilepsy, idiopathic generalized, susceptibility to, 13. Also called: EPILEPSY, JUVENILE MYOCLONIC, SUSCEPTIBILITY TO, 5. Identifiers: Orphanet 307, Orphanet 64280, MedGen C4013473, MONDO:0012627, OMIM 611136.

Allele frequency attached by ClinVar (database versions not stated): gnomAD exomes 0.50467; 1000 Genomes Project 0.58047; 1000 Genomes Project 30x 0.58323; gnomAD 0.59915 and 0.60031; TOPMed 0.60462.
gnomAD v4.1: 91,167 of 152,354 alleles (60%); highest among the groups gnomAD compares: Admixed American, 68%; 27,648 homozygotes.

Submission:

Illumina Laboratory Services, Illumina
Classification: Benign for Epilepsy, idiopathic generalized, susceptibility to, 13. Last evaluated: 2018-01-13. Review status: criteria provided, single submitter. Criteria: ICSL Variant Classification Criteria 13 December 2019. Collection method: clinical testing. Allele origin: germline.
Comment: This variant was observed in the ICSL laboratory as part of a predisposition screen in an ostensibly healthy population. It had not been previously curated by ICSL or reported in the Human Gene Mutation Database (HGMD: prior to June 1st, 2018), and was therefore a candidate for classification through an automated scoring system. Utilizing variant allele frequency, disease prevalence and penetrance estimates, and inheritance mode, an automated score was calculated to assess if this variant is too frequent to cause the disease. Based on the score and internal cut-off values, a variant classified as benign is not then subjected to further curation. The score for this variant resulted in a classification of benign for this disease.

NM_001127644.2(GABRA1):c.*1506A>C

Gene: GABRA1 (gamma-aminobutyric acid type A receptor subunit alpha1; plus strand). Cytogenetic location: 5q34.
Variant type: single nucleotide variant.
Coding change: c.*1506A>C on transcript NM_001127644.2 (MANE Select); 1506 bases downstream of the stop codon, A replaced by C.
Molecular consequence: 3 prime UTR variant.
Genome position (GRCh38, 1-based): chr5:161,898,928, A>C. VCF-style: chr5-161898928-A-C. GRCh37 (hg19) VCF-style: chr5-161325934-A-C.
Other names: c.*1506A>C (NM_000806.5, NM_001127643.2, NM_001127645.2 and 1 more transcripts).
Identifiers: ClinVar variation 352614 (VCV000352614.5), dbSNP rs998754, ClinGen allele CA10623904.